The following is an entry in ClinVar:

NM_014159.7(SETD2):c.1700A>G (p.Asp567Gly)

Gene: SETD2 (SET domain containing 2, histone lysine methyltransferase; minus strand). Cytogenetic location: 3p21.31.
Variant type: single nucleotide variant.
Coding change: c.1700A>G on transcript NM_014159.7 (MANE Select); coding-DNA position 1700, A replaced by G.
Protein change: p.Asp567Gly; replaces aspartic acid 567 with glycine.
Molecular consequence: missense variant. On other transcripts: non-coding transcript variant (1).
Genome position (GRCh38, 1-based): chr3:47,122,936, T>C on the plus strand (A>G on the coding strand, the complement: SETD2 is on the minus strand). VCF-style: chr3-47122936-T-C. GRCh37 (hg19) VCF-style: chr3-47164426-T-C.
Other names: c.1568A>G, p.Asp523Gly (NM_001349370.3); short protein forms D523G, D567G.
Identifiers: ClinVar variation 1706398 (VCV001706398.2), dbSNP rs2106691171, ClinGen allele CA352529499.

ClinVar aggregate classification (germline): Uncertain significance (1 of 4 stars; one submission).

Submission:

GeneDx
Classification: Uncertain significance. Last evaluated: 2022-03-17. Review status: criteria provided, single submitter. Criteria: GeneDx Variant Classification Process June 2021. Collection method: clinical testing. Allele origin: germline. Affected: yes.
Comment: Not observed at significant frequency in large population cohorts (gnomAD); In silico analysis supports that this missense variant has a deleterious effect on protein structure/function; Has not been previously published as pathogenic or benign to our knowledge